The following is an entry in ClinVar:

ClinVar aggregate classification (germline): Uncertain significance. Review status: criteria provided, multiple submitters, no conflicts (2 of 4 stars). 2 submissions from 2 submitters: Uncertain significance (2). Last evaluated 2024-08-04.

Conditions:
Hereditary cancer-predisposing syndrome. Also called: Neoplastic Syndromes, Hereditary; Hereditary Cancer Syndrome; Tumor predisposition; Hereditary neoplastic syndrome. Identifiers: Orphanet 140162, MedGen C0027672, MeSH D009386, MONDO:0015356.
Rhabdoid tumor predisposition syndrome 2 (RTPS2). Identifiers: Orphanet 231108, Orphanet 69077, MedGen C2750074, MONDO:0013224, OMIM 613325.

Submissions (2):

Labcorp Genetics (formerly Invitae), Labcorp
Classification: Uncertain significance for Rhabdoid tumor predisposition syndrome 2. Last evaluated: 2024-08-04. Review status: criteria provided, single submitter. Criteria: Invitae Variant Classification Sherloc (09022015). Collection method: clinical testing. Allele origin: germline.
Comment: This sequence change replaces threonine, which is neutral and polar, with isoleucine, which is neutral and non-polar, at codon 11 of the SMARCA4 protein (p.Thr11Ile). This variant is not present in population databases (gnomAD no frequency). This variant has not been reported in the literature in individuals affected with SMARCA4-related conditions. ClinVar contains an entry for this variant (Variation ID: 575086). Advanced modeling of protein sequence and biophysical properties (such as structural, functional, and spatial information, amino acid conservation, physicochemical variation, residue mobility, and thermodynamic stability) has been performed at Invitae for this missense variant, however the output from this modeling did not meet the statistical confidence thresholds required to predict the impact of this variant on SMARCA4 protein function. In summary, the available evidence is currently insufficient to determine the role of this variant in disease. Therefore, it has been classified as a Variant of Uncertain Significance.

Ambry Genetics
Classification: Uncertain significance for Hereditary cancer-predisposing syndrome. Last evaluated: 2022-06-03. Review status: criteria provided, single submitter. Criteria: Ambry Variant Classification Scheme 2023. Collection method: clinical testing. Allele origin: germline.
Comment: The p.T11I variant (also known as c.32C>T), located in coding exon 1 of the SMARCA4 gene, results from a C to T substitution at nucleotide position 32. The threonine at codon 11 is replaced by isoleucine, an amino acid with similar properties. This amino acid position is well conserved in available vertebrate species. In addition, the in silico prediction for this alteration is inconclusive. Missense and in-frame variants in SMARCA4 are known to cause neurodevelopmental disorders; however, such associations with rhabdoid tumor predisposition syndrome including small cell carcinoma of the ovary-hypercalcemic type (SCCOHT) are exceedingly rare (Kosho T et al. Am J Med Genet C Semin Med Genet. 2014 Sep;166C(3):262-75; Jelinic P et al. Nat Genet. 2014 May;46(5):424-6). Based on the supporting evidence, the association of this alteration with Coffin-Siris syndrome is unknown; however, the association of this alteration with rhabdoid tumor predisposition syndrome is unlikely.

NM_003072.5(SMARCA4):c.32C>T (p.Thr11Ile)

Gene: SMARCA4 (SWI/SNF related BAF chromatin remodeling complex subunit ATPase 4; plus strand). Cytogenetic location: 19p13.2.
Variant type: single nucleotide variant.
Coding change: c.32C>T on transcript NM_003072.5 (MANE Select); coding-DNA position 32, C replaced by T.
Protein change: p.Thr11Ile; replaces threonine 11 with isoleucine.
Molecular consequence: missense variant. On other transcripts: non-coding transcript variant (1).
Genome position (GRCh38, 1-based): chr19:10,984,183, C>T. VCF-style: chr19-10984183-C-T. GRCh37 (hg19) VCF-style: chr19-11094859-C-T.
Other names: c.32C>T, p.Thr11Ile (NM_001128844.3, NM_001128845.2, NM_001128846.2 and 5 more transcripts); short protein forms T11I.
Identifiers: ClinVar variation 575086 (VCV000575086.11), dbSNP rs1568416665, ClinGen allele CA404053926.